The following is an entry in ClinVar:

ClinVar aggregate classification (germline): Uncertain significance (1 of 4 stars; one submission).

Conditions:
Bethlem myopathy 1A. Also called: MYOPATHY, BENIGN CONGENITAL, WITH CONTRACTURES; Bethlem myopathy 1; Bethlem Muscular Dystrophy. Identifiers: Orphanet 610, MedGen CN029274, MONDO:0024530, OMIM 158810.

Submission:

Labcorp Genetics (formerly Invitae), Labcorp
Classification: Uncertain significance for Bethlem myopathy 1A. Last evaluated: 2025-09-16. Review status: criteria provided, single submitter. Criteria: Invitae Variant Classification Sherloc (09022015). Collection method: clinical testing. Allele origin: germline.
Comment: This sequence change falls in intron 7 of the COL6A1 gene. It does not directly change the encoded amino acid sequence of the COL6A1 protein. It affects a nucleotide within the consensus splice site. This variant is not present in population databases (gnomAD no frequency). This variant has not been reported in the literature in individuals affected with COL6A1-related conditions. Variants that disrupt the consensus splice site are a relatively common cause of aberrant splicing (PMID: 17576681, 9536098). Algorithms developed to predict the effect of sequence changes on RNA splicing suggest that this variant is not likely to affect RNA splicing. In summary, the available evidence is currently insufficient to determine the role of this variant in disease. Therefore, it has been classified as a Variant of Uncertain Significance.

Literature cited by the submitters: PubMed 17576681; PubMed 9536098.

NM_001848.3(COL6A1):c.759+6T>A

Gene: COL6A1 (collagen type VI alpha 1 chain; plus strand). Cytogenetic location: 21q22.3.
Variant type: single nucleotide variant.
Coding change: c.759+6T>A on transcript NM_001848.3 (MANE Select); 6 bases into the intron after coding-DNA position 759, T replaced by A.
Molecular consequence: intron variant.
Genome position (GRCh38, 1-based): chr21:45,987,525, T>A. VCF-style: chr21-45987525-T-A. GRCh37 (hg19) VCF-style: chr21-47407439-T-A.
Identifiers: ClinVar variation 4727361 (VCV004727361.1).
Genomic context (GRCh38, chr21:45,987,525, plus strand): 5'-CCCACTGACTCGTCTCCATGCTTTCCCCCCACAGTGCTGCTCCTTCGAATGCCAGGTGAG[T>A]GTGCCCCCCGACCCCTGACCCCGCGCCCTGCACCCTGGGAACCTGAGTCTGGGGTCCTGG-3'